The following is an entry in ClinVar:

ClinVar aggregate classification (germline): Uncertain significance (1 of 4 stars; one submission).

gnomAD v4.1: 2 of 1,610,034 alleles (0.00012%); no homozygotes.

Submission:

Ambry Genetics
Classification: Uncertain significance. Last evaluated: 2024-04-04. Review status: criteria provided, single submitter. Criteria: Ambry Variant Classification Scheme 2023. Collection method: clinical testing. Allele origin: germline.
Comment: The p.T52A variant (also known as c.154A>G), located in coding exon 1 of the TERF2IP gene, results from an A to G substitution at nucleotide position 154. The threonine at codon 52 is replaced by alanine, an amino acid with similar properties. This amino acid position is conserved. In addition, this alteration is predicted to be tolerated by in silico analysis. Based on the available evidence, the clinical significance of this variant remains unclear.

NM_018975.4(TERF2IP):c.154A>G (p.Thr52Ala)

Gene: TERF2IP (TERF2 interacting protein; plus strand). Cytogenetic location: 16q23.1.
Variant type: single nucleotide variant.
Coding change: c.154A>G on transcript NM_018975.4 (MANE Select); coding-DNA position 154, A replaced by G.
Protein change: p.Thr52Ala; replaces threonine 52 with alanine.
Molecular consequence: missense variant. On other transcripts: non-coding transcript variant (1).
Genome position (GRCh38, 1-based): chr16:75,648,036, A>G. VCF-style: chr16-75648036-A-G. GRCh37 (hg19) VCF-style: chr16-75681934-A-G.
Other names: short protein forms T52A.
Identifiers: ClinVar variation 3325450 (VCV003325450.1).
Genomic context (GRCh38, chr16:75,648,036, plus strand): 5'-TACGTGCGGCCCAGCCCGGCCAAGCGTCGGCTGTCGACGCTCATCCTGCACGGCGGCGGC[A>G]CCGTGTGCCGAGTGCAGGAGCCCGGGGCCGTGCTGCTGGCCCAGCCCGGGGAGGCGCTGG-3'
Protein context (NP_061848.2, residues 42-62): LSTLILHGGG[Thr52Ala]VCRVQEPGAV